The following is an entry in ClinVar:

ClinVar aggregate classification (germline): Uncertain significance (1 of 4 stars; one submission).

Submission:

Labcorp Genetics (formerly Invitae), Labcorp
Classification: Uncertain significance. Last evaluated: 2022-10-25. Review status: criteria provided, single submitter. Criteria: Invitae Variant Classification Sherloc (09022015). Collection method: clinical testing. Allele origin: germline.
Comment: This sequence change replaces arginine with proline at codon 681 of the ADAMTS18 protein (p.Arg681Pro). The arginine residue is moderately conserved and there is a moderate physicochemical difference between arginine and proline. This variant is not present in population databases (gnomAD no frequency). This variant has not been reported in the literature in individuals affected with ADAMTS18-related conditions. ClinVar contains an entry for this variant (Variation ID: 1497138). Algorithms developed to predict the effect of missense changes on protein structure and function are either unavailable or do not agree on the potential impact of this missense change (SIFT: "Not Available"; PolyPhen-2: "Benign"; Align-GVGD: "Not Available"). In summary, the available evidence is currently insufficient to determine the role of this variant in disease. Therefore, it has been classified as a Variant of Uncertain Significance.

NM_199355.4(ADAMTS18):c.2042G>C (p.Arg681Pro)

Gene: ADAMTS18 (ADAM metallopeptidase with thrombospondin type 1 motif 18; minus strand). Cytogenetic location: 16q23.1.
Variant type: single nucleotide variant.
Coding change: c.2042G>C on transcript NM_199355.4 (MANE Select); coding-DNA position 2042, G replaced by C.
Protein change: p.Arg681Pro; replaces arginine 681 with proline.
Molecular consequence: missense variant.
Genome position (GRCh38, 1-based): chr16:77,322,457, C>G on the plus strand (G>C on the coding strand, the complement: ADAMTS18 is on the minus strand). VCF-style: chr16-77322457-C-G. GRCh37 (hg19) VCF-style: chr16-77356354-C-G.
Other names: c.1526G>C, p.Arg509Pro (NM_001326358.2); short protein forms R681P, R509P.
Identifiers: ClinVar variation 1497138 (VCV001497138.6), dbSNP rs1159537536, ClinGen allele CA396828699.